The following is an entry in ClinVar:

ClinVar aggregate classification (germline): Likely pathogenic (1 of 4 stars; one submission).

Conditions:
Autosomal recessive limb-girdle muscular dystrophy type 2J (LGMDR10). Also called: Limb-girdle muscular dystrophy, type 2J; MUSCULAR DYSTROPHY, LIMB-GIRDLE, AUTOSOMAL RECESSIVE 10. Identifiers: Orphanet 140922, MedGen C1837342, MONDO:0012127, OMIM 608807.
Dilated cardiomyopathy 1G (CMD1G). Identifiers: Orphanet 154, MedGen C1858763, MONDO:0011400, OMIM 604145.

Submission:

Labcorp Genetics (formerly Invitae), Labcorp
Classification: Likely pathogenic for Dilated cardiomyopathy 1G; Autosomal recessive limb-girdle muscular dystrophy type 2J. Last evaluated: 2024-05-01. Review status: criteria provided, single submitter. Criteria: Invitae Variant Classification Sherloc (09022015). Collection method: clinical testing. Allele origin: germline.
Comment: This variant results in the deletion of part of exon 168 (c.36203-15_36217del) of the TTN gene. It is expected to disrupt RNA splicing and likely results in a truncated or disrupted TTN protein. This variant is not present in population databases (gnomAD no frequency). This variant has not been reported in the literature in individuals affected with TTN-related conditions. This variant is located in the I band of TTN (PMID: 25589632). Truncating variants in this region have been reported in individuals affected with autosomal recessive centronuclear myopathy (PMID: 23975875, Invitae internal data). Truncating variants in this region have also been identified in individuals affected with autosomal dominant dilated cardiomyopathy and/or cardio-related conditions (PMID: 27869827, 32964742, Invitae internal data). In summary, the currently available evidence indicates that the variant is pathogenic, but additional data are needed to prove that conclusively. Therefore, this variant has been classified as Likely Pathogenic.

Literature cited by the submitters: PubMed 25589632; PubMed 23975875; PubMed 27869827; PubMed 32964742.

NM_001267550.2(TTN):c.36203-15_36217del

Gene: TTN (titin; minus strand). Cytogenetic location: 2q31.2.
Variant type: Deletion.
Coding change: c.36203-15_36217del on transcript NM_001267550.2 (MANE Select); 15 bases into the intron before coding-DNA position 36203 through coding-DNA position 36217, 30 bases deleted (TTAATATCTTCAAAGTGCCGGAGGCTCTCA).
Molecular consequence: splice acceptor variant. On other transcripts: intron variant (5).
Genome position (GRCh38, 1-based): chr2:178,664,523-178,664,552, TGAGAGCCTCCGGCACTTTGAAGATATTAA deleted on the plus strand (TTAATATCTTCAAAGTGCCGGAGGCTCTCA on the coding strand, the reverse complement: TTN is on the minus strand); deleting any 30 consecutive bases within chr2:178,664,523-178,664,553 gives the same sequence; the c. name uses the placement nearest the transcript's 3' end. VCF-style (leftmost placement, unchanged base first): chr2-178664522-CTGAGAGCCTCCGGCACTTTGAAGATATTAA-C. GRCh37 (hg19) VCF-style: chr2-179529249-CTGAGAGCCTCCGGCACTTTGAAGATATTAA-C.
Other names: c.13283-22235_13283-22206del (NM_003319.4); c.13859-22235_13859-22206del (NM_133437.4); c.13658-22235_13658-22206del (NM_133432.3); c.31484-1497_31484-1468del (NM_133378.4); c.34265-1497_34265-1468del (NM_001256850.1).
Identifiers: ClinVar variation 3751456 (VCV003751456.2).
Genomic context (GRCh38, chr2:178,664,522, plus strand): 5'-TTGACAGGTACAACTTCAGCCCTTTGGGGAGGATGCACTTTCTTTTCCGGGACAACTTCT[CTGAGAGCCTCCGGCACTTTGAAGATATTAA>C]TAATTTTACATTTAGAAGTTACAAGAATCAACACAATCAGGAAAAACATTTATACAAGAA-3'